The following is an entry in ClinVar:

ClinVar aggregate classification (germline): Uncertain significance (1 of 4 stars; one submission).

Conditions:
Charcot-Marie-Tooth disease axonal type 2P. Also called: CHARCOT-MARIE-TOOTH NEUROPATHY, TYPE 2P; Charcot-Marie-Tooth Neuropathy Type 2G; CHARCOT-MARIE-TOOTH DISEASE, AXONAL, TYPE 2G; CMT 2G. Identifiers: Orphanet 300319, Orphanet 99941, MedGen C3280797, MONDO:0013753, OMIM 614436.

Allele frequency attached by ClinVar (database versions not stated): gnomAD 0.00001.
gnomAD v4.1: 1 of 1,614,028 alleles (0.000062%); highest among the groups gnomAD compares: African/African-American, 0.0013%; no homozygotes.

Submission:

Labcorp Genetics (formerly Invitae), Labcorp
Classification: Uncertain significance for Charcot-Marie-Tooth disease axonal type 2P. Last evaluated: 2023-05-04. Review status: criteria provided, single submitter. Criteria: Invitae Variant Classification Sherloc (09022015). Collection method: clinical testing. Allele origin: germline.
Comment: In summary, the available evidence is currently insufficient to determine the role of this variant in disease. Therefore, it has been classified as a Variant of Uncertain Significance. Advanced modeling of protein sequence and biophysical properties (such as structural, functional, and spatial information, amino acid conservation, physicochemical variation, residue mobility, and thermodynamic stability) performed at Invitae indicates that this missense variant is not expected to disrupt LRSAM1 protein function. This variant has not been reported in the literature in individuals affected with LRSAM1-related conditions. This variant is present in population databases (no rsID available, gnomAD 0.01%). This sequence change replaces tyrosine, which is neutral and polar, with cysteine, which is neutral and slightly polar, at codon 406 of the LRSAM1 protein (p.Tyr406Cys).

NM_001005373.4(LRSAM1):c.1217A>G (p.Tyr406Cys)

Gene: LRSAM1 (leucine rich repeat and sterile alpha motif containing 1; plus strand). Cytogenetic location: 9q33.3.
Variant type: single nucleotide variant.
Coding change: c.1217A>G on transcript NM_001005373.4 (MANE Select); coding-DNA position 1217, A replaced by G.
Protein change: p.Tyr406Cys; replaces tyrosine 406 with cysteine.
Molecular consequence: missense variant. On other transcripts: non-coding transcript variant (2).
Genome position (GRCh38, 1-based): chr9:127,485,793, A>G. VCF-style: chr9-127485793-A-G. GRCh37 (hg19) VCF-style: chr9-130248072-A-G.
Other names: c.1217A>G, p.Tyr406Cys (NM_001005374.4, NM_001190723.3, NM_001384142.1 and 2 more transcripts); c.428A>G, p.Tyr143Cys (NM_001384144.1); short protein forms Y143C, Y406C.
Identifiers: ClinVar variation 2786072 (VCV002786072.3), dbSNP rs1232018566, ClinGen allele CA374932405.